The following is an entry in ClinVar:

ClinVar aggregate classification (germline): Conflicting classifications of pathogenicity. Review status: criteria provided, conflicting classifications (1 of 4 stars). 3 submissions from 3 submitters: Pathogenic (1); Likely pathogenic (1); Uncertain significance (1). Last evaluated 2025-12-18.

Conditions:
Congenital contractures of the limbs and face, hypotonia, and developmental delay (CLIFAHDD). Identifiers: Orphanet 562528, MedGen C4225398, MONDO:0014556, OMIM 616266.
Developmental disorder. Identifiers: MedGen C0008073.

Allele frequency attached by ClinVar (database versions not stated): TOPMed below 0.00001; gnomAD exomes below 0.00001.
gnomAD v4.1: 2 of 1,603,040 alleles (0.00012%); highest among the groups gnomAD compares: Non-Finnish European, 0.00017%; no homozygotes.

Submissions (3):

Equipe Genetique des Anomalies du Developpement, Université de Bourgogne
Classification: Likely pathogenic for Congenital contractures of the limbs and face, hypotonia, and developmental delay. Last evaluated: 2025-12-18. Review status: criteria provided, single submitter. Criteria: ACMG Guidelines, 2015. Collection method: clinical testing. Allele origin: de novo. Affected: yes.

GeneDx
Classification: Pathogenic. Last evaluated: 2025-12-10. Review status: criteria provided, single submitter. Criteria: GeneDx Variant Classification Process June 2021. Collection method: clinical testing. Allele origin: germline.
Comment: Not observed at significant frequency in large population cohorts (gnomAD); In silico analysis supports that this missense variant has a deleterious effect on protein structure/function; Has not been previously published as pathogenic or benign to our knowledge

Department of Genetics, Rouen University Hospital, Normandy Center for Genomic and Personalized Medicine
Classification: Uncertain significance for Developmental disorder. Review status: criteria provided, single submitter. Criteria: ACMG Guidelines, 2015. Collection method: clinical testing. Allele origin: unknown. Affected: yes.

NM_052867.4(NALCN):c.3959C>T (p.Thr1320Met)

Gene: NALCN (sodium leak channel, non-selective; minus strand). Cytogenetic location: 13q32.3.
Variant type: single nucleotide variant.
Coding change: c.3959C>T on transcript NM_052867.4 (MANE Select); coding-DNA position 3959, C replaced by T.
Protein change: p.Thr1320Met; replaces threonine 1320 with methionine.
Molecular consequence: missense variant.
Genome position (GRCh38, 1-based): chr13:101,074,658, G>A on the plus strand (C>T on the coding strand, the complement: NALCN is on the minus strand). VCF-style: chr13-101074658-G-A. GRCh37 (hg19) VCF-style: chr13-101727009-G-A.
Other names: c.4046C>T, p.Thr1349Met (NM_001350748.2); c.3959C>T, p.Thr1320Met (NM_001350749.2); c.3872C>T, p.Thr1291Met (NM_001350750.2, NM_001350751.2); short protein forms T1291M, T1320M, T1349M.
Identifiers: ClinVar variation 2430028 (VCV002430028.5), dbSNP rs2033130135, ClinGen allele CA388649621.